The following is an entry in ClinVar:

NM_000455.5(STK11):c.496T>A (p.Tyr166Asn)

Gene: STK11 (serine/threonine kinase 11; plus strand). Cytogenetic location: 19p13.3.
Variant type: single nucleotide variant.
Coding change: c.496T>A on transcript NM_000455.5 (MANE Select); coding-DNA position 496, T replaced by A.
Protein change: p.Tyr166Asn; replaces tyrosine 166 with asparagine.
Molecular consequence: missense variant. On other transcripts: non-coding transcript variant (1).
Genome position (GRCh38, 1-based): chr19:1,220,404, T>A. VCF-style: chr19-1220404-T-A. GRCh37 (hg19) VCF-style: chr19-1220403-T-A.
Other names: c.496T>A, p.Tyr166Asn (NM_001407255.1); short protein forms Y166N.
Identifiers: ClinVar variation 3450578 (VCV003450578.1).
Genomic context (GRCh38, chr19:1,220,404, plus strand): 5'-GCCCCAGGACGGGTGTGTGCTGCCCGCAGGTACTTCTGTCAGCTGATTGACGGCCTGGAG[T>A]ACCTGCATAGCCAGGGCATTGTGCACAAGGACATCAAGCCGGGGAACCTGCTGCTCACCA-3'
Protein context (NP_000446.1, residues 156-176): YFCQLIDGLE[Tyr166Asn]LHSQGIVHKD

ClinVar aggregate classification (germline): Uncertain significance (1 of 4 stars; one submission).

Conditions:
Hereditary cancer-predisposing syndrome. Also called: Tumor predisposition; Neoplastic Syndromes, Hereditary; Hereditary neoplastic syndrome; Hereditary Cancer Syndrome. Identifiers: Orphanet 140162, MedGen C0027672, MeSH D009386, MONDO:0015356.

Submission:

Ambry Genetics
Classification: Uncertain significance for Hereditary cancer-predisposing syndrome. Last evaluated: 2024-09-05. Review status: criteria provided, single submitter. Criteria: Ambry Variant Classification Scheme 2023. Collection method: clinical testing. Allele origin: germline.
Comment: The p.Y166N variant (also known as c.496T>A), located in coding exon 4 of the STK11 gene, results from a T to A substitution at nucleotide position 496. The tyrosine at codon 166 is replaced by asparagine, an amino acid with dissimilar properties. This amino acid position is conserved. In addition, this alteration is predicted to be deleterious by in silico analysis. Based on the available evidence, the clinical significance of this variant remains unclear.